The following is an entry in ClinVar:

NM_000536.4(RAG2):c.909G>T (p.Glu303Asp)

Gene: RAG2 (recombination activating 2; minus strand). Cytogenetic location: 11p12.
Variant type: single nucleotide variant.
Coding change: c.909G>T on transcript NM_000536.4 (MANE Select); coding-DNA position 909, G replaced by T.
Protein change: p.Glu303Asp; replaces glutamic acid 303 with aspartic acid.
Molecular consequence: missense variant.
Genome position (GRCh38, 1-based): chr11:36,593,260, C>A on the plus strand (G>T on the coding strand, the complement: RAG2 is on the minus strand). VCF-style: chr11-36593260-C-A. GRCh37 (hg19) VCF-style: chr11-36614810-C-A.
Other names: NM_000536.4(RAG2):c.909G>T; p.Glu303Asp; c.909G>T, p.Glu303Asp (NM_001243785.2, NM_001243786.2); short protein forms E303D.
Identifiers: ClinVar variation 304553 (VCV000304553.23), dbSNP rs141025671, ClinGen allele CA5950504.
Genomic context (GRCh38, chr11:36,593,260, plus strand): 5'-TCCCATGTTGCTTCCAAACCATATCTTGCTGTGCTTAATGTCTGGGGTCCAATCTGGGGT[C>A]TCCATCTCACGAATTTCTATCTTGTTGTCCTCTAAAGAGATGATGTTGCAGATCATTCTT-3'
Protein context (NP_000527.2, residues 293-313): EDNKIEIREM[Glu303Asp]TPDWTPDIKH

ClinVar aggregate classification (germline): Uncertain significance. Review status: reviewed by expert panel (3 of 4 stars). 10 submissions from 9 submitters: Uncertain significance (1). 9 of the submissions do not count toward it. Last evaluated 2024-04-01.

Conditions:
Histiocytic medullary reticulosis. Also called: Omenn syndrome; SEVERE COMBINED IMMUNODEFICIENCY WITH HYPEREOSINOPHILIA. Identifiers: Orphanet 39041, MedGen C2700553, MONDO:0011338, OMIM 603554.
Severe combined immunodeficiency, autosomal recessive, T cell-negative, B cell-negative, NK cell-positive. Also called: SCID, T CELL-NEGATIVE, B CELL-NEGATIVE, NK CELL-POSITIVE; SCID, AR, T-cell negative, B-cell negative, NK cell-positive; Severe combined immunodeficiency due to complete RAG1/2 deficiency. Identifiers: Orphanet 331206, MedGen C1832322, MONDO:0011086, OMIM 601457.
Combined immunodeficiency with skin granulomas. Identifiers: Orphanet 157949, MedGen C2673536, MONDO:0009306, OMIM 233650.
Recombinase activating gene 2 deficiency. Also called: RAG2 deficiency. Identifiers: MedGen CN257931, MONDO:0000573.

Allele frequency attached by ClinVar (database versions not stated): ExAC 0.00012; gnomAD 0.00012; TOPMed 0.00019; ESP Exome Variant Server 0.00023.

Submissions (10):

ClinGen Severe Combined Immunodeficiency Variant Curation Expert Panel, ClinGen
Classification: Uncertain significance for Recombinase activating gene 2 deficiency. Last evaluated: 2024-04-01. Review status: reviewed by expert panel. Criteria: ClinGen SCID ACMG Specifications RAG2 V1.0.0. Collection method: curation. Allele origin: germline. Inheritance: Autosomal recessive inheritance.
Comment: The c.909G>T (NM_000536.4) variant in RAG2 is a missense variant predicted to cause the substitution of Glutamic Acid by Aspartic Acid at amino acid 303 (p.Glu303Asp). The Popmax Filtering Allele Frequency (95% confidence) is 0.0001834 in gnomAD v.4 based on the African/African American population, 14/75040 alleles. PM2_Supporting (<0.0000588), BS1 (>0.00195), and BA1 (>0.00872) are not met. No homozygous has been described in gnomAD v.4, and BS2 is not met. This variant is located in the core domain, amino acids 1-383 of RAG2, which is defined as a critical functional domain by the ClinGen SCID VCEP (PMID: 26996199); PM1_Supporting. To our knowledge, this variant has not been reported in the literature in individuals affected with RAG2/SCID-related conditions or in functional studies. In summary, this variant meets the criteria to be classified as a variant of uncertain significance for autosomal recessive recombinase activating gene 2 deficiency based on the ACMG/AMP criteria applied, as specified by the ClinGen SCID VCEP. Criteria applied: PM1_Supporting (VCEP specifications version 1.0).

OLLIN Analises Genomicas, OLLIN
Classification: Uncertain significance. Last evaluated: 2026-08-06. Review status: criteria provided, single submitter. Criteria: ACMG Guidelines 2015 PMID 25741868. Collection method: clinical testing. Allele origin: germline. Not counted in ClinVar's aggregate classification.
Comment: This missense variant, located in exon 2 (of 2), has been reported in ClinVar (accession VCV000304553.21), in gnomAD with an allele frequency of 0.0092%, and in the scientific literature in individuals with RAG2 related disorders (PMID: 26996199). In silico analysis is inconclusive regarding the impact of this variant. This variant is located in a region considered to be a mutational hotspot (PMID: 26996199). According to the currently available evidence, this variant has been classified as uncertain significance (PM1_P).

Women's Health and Genetics/Laboratory Corporation of America, LabCorp
Classification: Uncertain significance. Last evaluated: 2026-04-23. Review status: criteria provided, single submitter. Criteria: LabCorp Variant Classification Summary - May 2015. Collection method: clinical testing. Allele origin: germline. Not counted in ClinVar's aggregate classification.
Comment: Variant summary: RAG2 c.909G>T (p.Glu303Asp) results in a conservative amino acid change in the encoded protein sequence. Algorithms developed to predict the effect of missense changes on protein structure and function are either unavailable or do not agree on the potential impact of this missense change. The variant allele was found at a frequency of 0.00014 in 251292 control chromosomes. This frequency is not significantly higher than estimated for disease-causing variants in RAG2, allowing no conclusion about variant significance. c.909G>T has been observed as heterozygous in an individual affected with Omenn syndrome without detection of the second allele variant (El Hawary_2022). These report(s) do not provide unequivocal conclusions about association of the variant with RAG2 deficiency. To our knowledge, no experimental evidence demonstrating an impact on protein function has been reported. The following publication have been ascertained in the context of this evaluation (PMID: 35482138). ClinVar contains an entry for this variant (Variation ID: 304553). Based on the evidence outlined above, the variant was classified as uncertain significance.

Labcorp Genetics (formerly Invitae), Labcorp
Classification: Likely benign for Combined immunodeficiency with skin granulomas; Severe combined immunodeficiency, autosomal recessive, T cell-negative, B cell-negative, NK cell-positive. Last evaluated: 2026-01-19. Review status: criteria provided, single submitter. Criteria: Invitae Variant Classification Sherloc (09022015). Collection method: clinical testing. Allele origin: germline. Not counted in ClinVar's aggregate classification.

Blueprint Genetics
Classification: Uncertain significance. Last evaluated: 2024-08-06. Review status: criteria provided, single submitter. Criteria: ACMG Guidelines, 2015. Collection method: clinical testing. Allele origin: germline. Not counted in ClinVar's aggregate classification.

Illumina Laboratory Services, Illumina
Classification: Uncertain significance for Histiocytic medullary reticulosis. Last evaluated: 2018-01-13. Review status: criteria provided, single submitter. Criteria: ICSL Variant Classification Criteria 13 December 2019. Collection method: clinical testing. Allele origin: germline. Not counted in ClinVar's aggregate classification.

Illumina Laboratory Services, Illumina
Classification: Uncertain significance for Severe combined immunodeficiency, autosomal recessive, T cell-negative, B cell-negative, NK cell-positive. Last evaluated: 2018-01-13. Review status: criteria provided, single submitter. Criteria: ICSL Variant Classification Criteria 13 December 2019. Collection method: clinical testing. Allele origin: germline. Not counted in ClinVar's aggregate classification.

Breakthrough Genomics
Classification: Uncertain significance. Review status: criteria provided, single submitter. Criteria: ACMG Guidelines, 2015. Collection method: not provided. Allele origin: germline. Inheritance: Autosomal recessive inheritance. Affected: yes. Not counted in ClinVar's aggregate classification.

Center for Genomics, Ann and Robert H. Lurie Children's Hospital of Chicago
Classification: Uncertain significance for Severe combined immunodeficiency, autosomal recessive, T cell-negative, B cell-negative, NK cell-positive; Combined immunodeficiency with skin granulomas; Histiocytic medullary reticulosis. Review status: criteria provided, single submitter. Criteria: ACMG Guidelines, 2015. Collection method: clinical testing. Allele origin: germline. Not counted in ClinVar's aggregate classification.
Comment: RAG2 NM_000536.3 exon 2 p.Glu303Asp (c.909G>T): This variant has not been reported in the literature but is present in 0.1% (11/10360) of Ashkenazi Jewish alleles in the Genome Aggregation Database. This variant is present in ClinVar (Variation ID:304553). Evolutionary conservation and computational predictive tools for this variant are unclear; however, this variant is present in 3 species of fish. In summary, data on this variant is insufficient for disease classification. Therefore, the clinical significance of this variant is uncertain.

Natera, Inc.
Classification: Uncertain significance for Omenn syndrome. Last evaluated: 2020-04-13. Review status: no assertion criteria provided. Collection method: clinical testing. Allele origin: germline. Not counted in ClinVar's aggregate classification.

Literature cited by the submitters: PubMed 26996199 (cited by OLLIN Analises Genomicas, OLLIN); PubMed 35482138 (cited by Women's Health and Genetics/Laboratory Corporation of America, LabCorp).